The following is an entry in ClinVar:

NR_033294.2(SNORD118):n.39G>A

Genes: SNORD118 (small nucleolar RNA, C/D box 118; minus strand), TMEM107 (transmembrane protein 107; minus strand). Cytogenetic location: 17p13.1.
Variant type: single nucleotide variant.
Molecular consequence: non-coding transcript variant (on NR_033294.2). On other transcripts: 3 prime UTR variant (5).
Genome position: GRCh38 VCF-style: chr17-8173550-C-T. GRCh37 (hg19) VCF-style: chr17-8076868-C-T.
Other names: c.*653G>A (NM_001351278.2, NM_001351279.2, NM_001351280.2 and 2 more transcripts).
Identifiers: ClinVar variation 1903754 (VCV001903754.4), dbSNP rs200458465, ClinGen allele CA8370758.
Genomic context (GRCh38, chr17:8,173,550, plus strand): 5'-TTACGCAGAGACGTTAATCACGTTTCATGCATCTCCAATCATCATGTTCTAATCTGCCCT[C>T]CGGAGGAGGAACAGGTAAGGATTATCCCACCTGACGATACAGACAAACAGCCGACATTCT-3'

ClinVar aggregate classification (germline): Uncertain significance. Review status: criteria provided, multiple submitters, no conflicts (2 of 4 stars). 2 submissions from 2 submitters: Uncertain significance (2). Last evaluated 2024-06-11.

Allele frequency attached by ClinVar (database versions not stated): 1000 Genomes Project 0.00040.
gnomAD v4.1: 40 of 765,358 alleles (0.0052%); highest among the groups gnomAD compares: African/African-American, 0.029%; 1 homozygote.

Submissions (2):

Blueprint Genetics
Classification: Uncertain significance. Last evaluated: 2024-06-11. Review status: criteria provided, single submitter. Criteria: ACMG Guidelines, 2015. Collection method: clinical testing. Allele origin: germline.

Labcorp Genetics (formerly Invitae), Labcorp
Classification: Uncertain significance. Last evaluated: 2022-02-18. Review status: criteria provided, single submitter. Criteria: Invitae Variant Classification Sherloc (09022015). Collection method: clinical testing. Allele origin: germline.
Comment: In summary, the available evidence is currently insufficient to determine the role of this variant in disease. Therefore, it has been classified as a Variant of Uncertain Significance. Experimental studies and prediction algorithms are not available or were not evaluated, and the functional significance of this variant is currently unknown. This variant has not been reported in the literature in individuals affected with SNORD118-related conditions. This variant occurs in the SNORD118 gene, which encodes an RNA molecule that does not result in a protein product. This variant is present in population databases (rs200458465, gnomAD 0.01%).